The following is an entry in ClinVar:

NM_001291088.2(WDR87):c.2309A>G (p.Gln770Arg)

Gene: WDR87 (WD repeat domain 87; minus strand). Cytogenetic location: 19q13.13.
Variant type: single nucleotide variant.
Coding change: c.2309A>G on transcript NM_001291088.2 (MANE Select); coding-DNA position 2309, A replaced by G.
Protein change: p.Gln770Arg; replaces glutamine 770 with arginine.
Molecular consequence: missense variant.
Genome position (GRCh38, 1-based): chr19:37,893,394, T>C on the plus strand (A>G on the coding strand, the complement: WDR87 is on the minus strand). VCF-style: chr19-37893394-T-C. GRCh37 (hg19) VCF-style: chr19-38384034-T-C.
Other names: c.2192A>G, p.Gln731Arg (NM_031951.5); short protein forms Q731R, Q770R.
Identifiers: ClinVar variation 2601471 (VCV002601471.6), dbSNP rs372504525, ClinGen allele CA9408816.

ClinVar aggregate classification (germline): Uncertain significance. Review status: criteria provided, multiple submitters, no conflicts (2 of 4 stars). 2 submissions from 2 submitters: Uncertain significance (2). Last evaluated 2025-10-30.

Allele frequency attached by ClinVar (database versions not stated): gnomAD exomes 0.00003; 1000 Genomes Project 0.00020; ExAC 0.00022; 1000 Genomes Project 30x 0.00031; gnomAD 0.00035; TOPMed 0.00042; ESP Exome Variant Server 0.00066.

Submissions (2):

Ambry Genetics
Classification: Uncertain significance. Last evaluated: 2025-10-30. Review status: criteria provided, single submitter. Criteria: Ambry Variant Classification Scheme 2023. Collection method: clinical testing. Allele origin: germline.

Labcorp Genetics (formerly Invitae), Labcorp
Classification: Uncertain significance. Last evaluated: 2023-10-22. Review status: criteria provided, single submitter. Criteria: Invitae Variant Classification Sherloc (09022015). Collection method: clinical testing. Allele origin: germline.
Comment: This sequence change replaces glutamine, which is neutral and polar, with arginine, which is basic and polar, at codon 731 of the WDR87 protein (p.Gln731Arg). This variant is present in population databases (rs372504525, gnomAD 0.1%), and has an allele count higher than expected for a pathogenic variant. This variant has not been reported in the literature in individuals affected with WDR87-related conditions. An algorithm developed to predict the effect of missense changes on protein structure and function (PolyPhen-2) suggests that this variant is likely to be tolerated. In summary, the available evidence is currently insufficient to determine the role of this variant in disease. Therefore, it has been classified as a Variant of Uncertain Significance.